The following is an entry in ClinVar:

ClinVar aggregate classification (germline): Uncertain significance (1 of 4 stars; one submission).

Submission:

Labcorp Genetics (formerly Invitae), Labcorp
Classification: Uncertain significance. Last evaluated: 2022-07-20. Review status: criteria provided, single submitter. Criteria: Invitae Variant Classification Sherloc (09022015). Collection method: clinical testing. Allele origin: germline.
Comment: This variant is not present in population databases (gnomAD no frequency). This sequence change replaces aspartic acid, which is acidic and polar, with glycine, which is neutral and non-polar, at codon 98 of the FLNB protein (p.Asp98Gly). This variant has not been reported in the literature in individuals affected with FLNB-related conditions. In summary, the available evidence is currently insufficient to determine the role of this variant in disease. Therefore, it has been classified as a Variant of Uncertain Significance. Algorithms developed to predict the effect of sequence changes on RNA splicing suggest that this variant may disrupt the consensus splice site. Algorithms developed to predict the effect of missense changes on protein structure and function (SIFT, PolyPhen-2, Align-GVGD) all suggest that this variant is likely to be tolerated.

NM_001457.4(FLNB):c.293A>G (p.Asp98Gly)

Gene: FLNB (filamin B; plus strand). Cytogenetic location: 3p14.3.
Variant type: single nucleotide variant.
Coding change: c.293A>G on transcript NM_001457.4 (MANE Select); coding-DNA position 293, A replaced by G.
Protein change: p.Asp98Gly; replaces aspartic acid 98 with glycine.
Molecular consequence: missense variant.
Genome position (GRCh38, 1-based): chr3:58,077,046, A>G. VCF-style: chr3-58077046-A-G. GRCh37 (hg19) VCF-style: chr3-58062773-A-G.
Other names: c.293A>G, p.Asp98Gly (NM_001164317.2, NM_001164318.2, NM_001164319.2); short protein forms D98G.
Identifiers: ClinVar variation 1719309 (VCV001719309.5), dbSNP rs2470990462, ClinGen allele CA353333100.